The following is an entry in ClinVar:

ClinVar aggregate classification (germline): Uncertain significance (1 of 4 stars; one submission).

Conditions:
Neurodevelopmental disorder with progressive spasticity and brain white matter abnormalities. Also called: CEREBRAL PALSY, SPASTIC QUADRIPLEGIC, 1. Identifiers: Orphanet 210141, Orphanet 641353, MedGen C5436628, MONDO:0033613, OMIM 619026.

Allele frequency attached by ClinVar (database versions not stated): gnomAD exomes below 0.00001; TOPMed below 0.00001.
gnomAD v4.1: 6 of 1,614,030 alleles (0.00037%); highest among the groups gnomAD compares: Admixed American, 0.0017%; no homozygotes.

Submission:

Labcorp Genetics (formerly Invitae), Labcorp
Classification: Uncertain significance for Neurodevelopmental disorder with progressive spasticity and brain white matter abnormalities. Last evaluated: 2024-11-05. Review status: criteria provided, single submitter. Criteria: Invitae Variant Classification Sherloc (09022015). Collection method: clinical testing. Allele origin: germline.
Comment: This sequence change replaces glycine, which is neutral and non-polar, with aspartic acid, which is acidic and polar, at codon 422 of the GAD1 protein (p.Gly422Asp). This variant is present in population databases (no rsID available, gnomAD 0.003%). This variant has not been reported in the literature in individuals affected with GAD1-related conditions. ClinVar contains an entry for this variant (Variation ID: 1022548). An algorithm developed to predict the effect of missense changes on protein structure and function (PolyPhen-2) suggests that this variant is likely to be disruptive. In summary, the available evidence is currently insufficient to determine the role of this variant in disease. Therefore, it has been classified as a Variant of Uncertain Significance.

NM_000817.3(GAD1):c.1265G>A (p.Gly422Asp)

Gene: GAD1 (glutamate decarboxylase 1; plus strand). Cytogenetic location: 2q31.1.
Variant type: single nucleotide variant.
Coding change: c.1265G>A on transcript NM_000817.3 (MANE Select); coding-DNA position 1265, G replaced by A.
Protein change: p.Gly422Asp; replaces glycine 422 with aspartic acid.
Molecular consequence: missense variant.
Genome position (GRCh38, 1-based): chr2:170,853,874, G>A. VCF-style: chr2-170853874-G-A. GRCh37 (hg19) VCF-style: chr2-171710384-G-A.
Other names: short protein forms G422D.
Identifiers: ClinVar variation 1022548 (VCV001022548.8), dbSNP rs965039416, ClinGen allele CA60564773.